The following is an entry in ClinVar:

NM_001393392.1(AKR1C2):c.211G>C (p.Asp71His)

Gene: AKR1C2 (aldo-keto reductase family 1 member C2; minus strand). Cytogenetic location: 10p15.1.
Variant type: single nucleotide variant.
Coding change: c.211G>C on transcript NM_001393392.1 (MANE Select); coding-DNA position 211, G replaced by C.
Protein change: p.Asp71His; replaces aspartic acid 71 with histidine.
Molecular consequence: missense variant.
Genome position (GRCh38, 1-based): chr10:5,001,555, C>G on the plus strand (G>C on the coding strand, the complement: AKR1C2 is on the minus strand). VCF-style: chr10-5001555-C-G. GRCh37 (hg19) VCF-style: chr10-5043747-C-G.
Other names: c.211G>C, p.Asp71His (NM_001135241.3, NM_001321027.2, NM_001354.6 and 1 more transcripts); short protein forms D71H.
Identifiers: ClinVar variation 1337156 (VCV001337156.12), dbSNP rs142672563, ClinGen allele CA5390215.
Genomic context (GRCh38, chr10:5,001,555, plus strand): 5'-CTCATCATAGGCACAGTACCTTTGAAGTGTAGAATATGTCTTCTCTCTTCACACTGCCAT[C>G]TGCAATCTTGCTTCGGATGGCCAGTCCAACCTGCTCCTCATTATTGTAAACATGTGCAGA-3'
Protein context (NP_001380321.1, residues 61-81): VGLAIRSKIA[Asp71His]GSVKREDIFY

ClinVar aggregate classification (germline): Conflicting classifications of pathogenicity. Review status: criteria provided, conflicting classifications (1 of 4 stars). 4 submissions from 4 submitters: Uncertain significance (2); Likely benign (2). Last evaluated 2025-11-01.

Allele frequency attached by ClinVar (database versions not stated): ESP Exome Variant Server 0.00085; gnomAD 0.00108 and 0.00137; TOPMed 0.00148; gnomAD exomes 0.00169 and 0.00245; ExAC 0.00255; 1000 Genomes Project 0.00260; 1000 Genomes Project 30x 0.00265.
gnomAD v4.1: 2,771 of 1,614,050 alleles (0.17%); highest among the groups gnomAD compares: Middle Eastern, 2%; 16 homozygotes.

Submissions (4):

CeGaT Center for Human Genetics Tuebingen
Classification: Likely benign. Last evaluated: 2025-11-01. Review status: criteria provided, single submitter. Criteria: CeGaT Center For Human Genetics Tuebingen Variant Classification Criteria Version 2. Collection method: clinical testing. Allele origin: germline. Affected: yes. Observed: 1 variant allele.
Comment: AKR1C2: BS2

Blueprint Genetics
Classification: Likely benign. Last evaluated: 2024-11-20. Review status: criteria provided, single submitter. Criteria: ACMG Guidelines, 2015. Collection method: clinical testing. Allele origin: germline.

Genetic Services Laboratory, University of Chicago
Classification: Uncertain significance. Last evaluated: 2021-12-15. Review status: criteria provided, single submitter. Criteria: ACMG Guidelines, 2015. Collection method: clinical testing. Allele origin: germline. Affected: no.
Comment: DNA sequence analysis of the AKR1C2 gene demonstrated a sequence change, c.211G>C, in exon 4 that results in an amino acid change, p.Asp71His. This sequence change has been described in the gnomAD database with a frequency of 0.78% in the East Asian subpopulation (dbSNP rs142672563). The p.Asp71His change affects a highly conserved amino acid residue located in a domain of the AKR1C2 protein that is known to be functional. In-silico pathogenicity prediction tools (SIFT, PolyPhen2, Align GVGD, REVEL) provide contradictory results for the p.Asp71His substitution. This sequence change does not appear to have been previously described in individuals with AKR1C2-related disorders. Due to insufficient evidences and the lack of functional studies, the clinical significance of the p.Asp71His change remains unknown at this time.

Breakthrough Genomics
Classification: Uncertain significance. Review status: criteria provided, single submitter. Criteria: ACMG Guidelines, 2015. Collection method: not provided. Allele origin: germline. Inheritance: Autosomal recessive inheritance. Affected: yes.